The following is an entry in ClinVar:

NM_000540.3(RYR1):c.2738C>T (p.Pro913Leu)

Gene: RYR1 (ryanodine receptor 1; plus strand). Cytogenetic location: 19q13.2.
Variant type: single nucleotide variant.
Coding change: c.2738C>T on transcript NM_000540.3 (MANE Select); coding-DNA position 2738, C replaced by T.
Protein change: p.Pro913Leu; replaces proline 913 with leucine.
Molecular consequence: missense variant.
Genome position (GRCh38, 1-based): chr19:38,463,802, C>T. VCF-style: chr19-38463802-C-T. GRCh37 (hg19) VCF-style: chr19-38954442-C-T.
Other names: c.2738C>T, p.Pro913Leu (NM_001042723.2); short protein forms P913L.
Identifiers: ClinVar variation 4975267 (VCV004975267.1).

ClinVar aggregate classification (germline): Uncertain significance (1 of 4 stars; one submission).

Submission:

GeneDx
Classification: Uncertain significance. Last evaluated: 2026-01-21. Review status: criteria provided, single submitter. Criteria: GeneDx Variant Classification Process June 2021. Collection method: clinical testing. Allele origin: germline.
Comment: Not observed at significant frequency in large population cohorts (gnomAD); In silico analysis supports that this missense variant has a deleterious effect on protein structure/function; Has not been previously published as pathogenic or benign to our knowledge